The following is an entry in ClinVar:

ClinVar aggregate classification (germline): Uncertain significance (1 of 4 stars; one submission).

Conditions:
Combined oxidative phosphorylation defect type 27. Also called: Combined oxidative phosphorylation deficiency 27. Identifiers: Orphanet 477774, MedGen C5567608, MONDO:0014728, OMIM 616672.

Allele frequency attached by ClinVar (database versions not stated): TOPMed 0.00001; gnomAD exomes 0.00002.
gnomAD v4.1: 24 of 1,556,308 alleles (0.0015%); highest among the groups gnomAD compares: Non-Finnish European, 0.0021%; no homozygotes.

Submission:

Labcorp Genetics (formerly Invitae), Labcorp
Classification: Uncertain significance for Combined oxidative phosphorylation defect type 27. Last evaluated: 2022-11-08. Review status: criteria provided, single submitter. Criteria: Invitae Variant Classification Sherloc (09022015). Collection method: clinical testing. Allele origin: germline.
Comment: In summary, the available evidence is currently insufficient to determine the role of this variant in disease. Therefore, it has been classified as a Variant of Uncertain Significance. Variants that disrupt the consensus splice site are a relatively common cause of aberrant splicing (PMID: 17576681, 9536098). Algorithms developed to predict the effect of sequence changes on RNA splicing suggest that this variant may disrupt the consensus splice site. Algorithms developed to predict the effect of missense changes on protein structure and function are either unavailable or do not agree on the potential impact of this missense change (SIFT: "Tolerated"; PolyPhen-2: "Probably Damaging"; Align-GVGD: "Class C0"). This variant has not been reported in the literature in individuals affected with CARS2-related conditions. This variant is not present in population databases (gnomAD no frequency). This sequence change replaces serine, which is neutral and polar, with threonine, which is neutral and polar, at codon 262 of the CARS2 protein (p.Ser262Thr). This variant also falls at the last nucleotide of exon 7, which is part of the consensus splice site for this exon.

Literature cited by the submitters: PubMed 17576681; PubMed 9536098.

NM_024537.4(CARS2):c.785G>C (p.Ser262Thr)

Gene: CARS2 (cysteinyl-tRNA synthetase 2, mitochondrial; minus strand). Cytogenetic location: 13q34.
Variant type: single nucleotide variant.
Coding change: c.785G>C on transcript NM_024537.4 (MANE Select); coding-DNA position 785, G replaced by C.
Protein change: p.Ser262Thr; replaces serine 262 with threonine.
Molecular consequence: missense variant. On other transcripts: 5 prime UTR variant (1), non-coding transcript variant (2).
Genome position (GRCh38, 1-based): chr13:110,676,974, C>G on the plus strand (G>C on the coding strand, the complement: CARS2 is on the minus strand). VCF-style: chr13-110676974-C-G. GRCh37 (hg19) VCF-style: chr13-111329321-C-G.
Other names: c.-2G>C (NM_001352252.2); c.785G>C, p.Ser262Thr (NM_001352253.3); short protein forms S262T.
Identifiers: ClinVar variation 2014790 (VCV002014790.2), dbSNP rs1282060055, ClinGen allele CA388735051.
Genomic context (GRCh38, chr13:110,676,974, plus strand): 5'-CCCTGAGCAGGCACCAGGGGAACTTGAGCCCCAACCCCCAGGAAGCGGCAGGCACCTTAC[C>G]TAGCGATGGCAGAGCACTCGATGTGCCAGCCCGGCCTCCCGGGTCCCCAGGGAGAGGCCC-3'
Protein context (NP_078813.1, residues 252-272): GWHIECSAIA[Ser262Thr]MVFGSQLDIH